The following is an entry in ClinVar:

ClinVar aggregate classification (germline): Uncertain significance. Review status: criteria provided, multiple submitters, no conflicts (2 of 4 stars). 2 submissions from 2 submitters: Uncertain significance (2). Last evaluated 2026-08-30.

Conditions:
OTOF-related disorder. Also called: OTOF-related condition.

gnomAD v4.1: 33 of 1,613,566 alleles (0.002%); highest among the groups gnomAD compares: Non-Finnish European, 0.0027%; no homozygotes.

Submissions (2):

PreventionGenetics, part of Exact Sciences
Classification: Uncertain significance for OTOF-related condition. Last evaluated: 2026-08-30. Review status: criteria provided, single submitter. Criteria: ACMG Guidelines, 2015. Collection method: clinical testing. Allele origin: germline.
Comment: The OTOF c.505C>G variant is predicted to result in the amino acid substitution p.Arg169Gly. To our knowledge, this variant has not been reported in the literature. This variant is reported in 0.0039% of alleles in individuals of European (Non-Finnish) descent in gnomAD. At this time, the clinical significance of this variant is uncertain due to the absence of conclusive functional and genetic evidence.

GeneDx
Classification: Uncertain significance. Last evaluated: 2025-06-13. Review status: criteria provided, single submitter. Criteria: GeneDx Variant Classification Process June 2021. Collection method: clinical testing. Allele origin: germline. Affected: yes.
Comment: Not observed at significant frequency in large population cohorts (gnomAD); In silico analysis suggests that this missense variant does not alter protein structure/function; Has not been previously published as pathogenic or benign to our knowledge

NM_194248.3(OTOF):c.505C>G (p.Arg169Gly)

Gene: OTOF (otoferlin; minus strand). Cytogenetic location: 2p23.3.
Variant type: single nucleotide variant.
Coding change: c.505C>G on transcript NM_194248.3 (MANE Select); coding-DNA position 505, C replaced by G.
Protein change: p.Arg169Gly; replaces arginine 169 with glycine.
Molecular consequence: missense variant.
Genome position (GRCh38, 1-based): chr2:26,516,422, G>C on the plus strand (C>G on the coding strand, the complement: OTOF is on the minus strand). VCF-style: chr2-26516422-G-C. GRCh37 (hg19) VCF-style: chr2-26739290-G-C.
Other names: c.505C>G, p.Arg169Gly (NM_001287489.2); c.505C>G (NM_194248.2); short protein forms R169G.
Identifiers: ClinVar variation 4537843 (VCV004537843.2).
Genomic context (GRCh38, chr2:26,516,422, plus strand): 5'-GGTCTCTTCCCCGTGTCTTGGGAGCAGTGGGCAGCCAGAGGGGTCCTGCCTGTTACCTCC[G>C]GAAGCTCTTCTCTCCTGGGGGCCGGGAGCTGGGCCGGGAGCCTGGGAGCAGTCCATCCGT-3'
Protein context (NP_919224.1, residues 159-179): SSRPPGEKSF[Arg169Gly]RAGRSVFSAM